The following is an entry in ClinVar:

GRCh37/hg19 3q26.31-27.3(chr3:175119199-187592480)x3

Genes: RTP2 (receptor transporter protein 2; minus strand), RTP4 (receptor transporter protein 4; plus strand), SENP2 (SUMO specific peptidase 2; plus strand), ZMAT3 (zinc finger matrin-type 3; minus strand), ZNF639 (zinc finger protein 639; plus strand) and 79 more. Cytogenetic location: 3q26.31-27.3.
Variant type: copy number gain.
Change: copy number 3 (three copies instead of two) of chr3:175,119,199-187,592,480 (12.47 Mb, GRCh37 coordinates, 1-based), cytogenetic band 3q26.31-27.3.
Identifiers: ClinVar variation 1328104 (VCV001328104.4).

ClinVar aggregate classification (germline): Pathogenic (1 of 4 stars; one submission).

Submission:

Illumina Laboratory Services, Illumina
Classification: Pathogenic. Last evaluated: 2021-10-18. Review status: criteria provided, single submitter. Criteria: ICSL CNVClassificationCriteria Aug2020. Collection method: clinical testing. Allele origin: unknown.
Comment: This CNV is a 12.4 Mb duplication of 3q26.31-q27.3 on chromosome 3, (seq[GRCh37]dup(3)(q26.31q27.3); chr3:g.175119199_187592480dup), that was identified in a de novo state. This CNV constitutes a gain encompassing 81 protein-coding genes. At least one individual with a similar de novo gain presenting with dysmorphic features and musculoskeletal system abnormalities has been reported in the DECIPHER database (Firth et al. 2009). Dwarschak et al. (2017) present a review of individuals reported in the literature with partial duplications of 3q. The sizes of CNVs varies among reported individuals as well as the clinical presentation. Common recurrent features include microcephaly, intellectual disability, growth retardation, hypotonia, genitourinary anomalies, abnormalities of the hands and feet, renal anomalies, congenital heart defects, and variable facial dysmorphism. Brain anomalies and seizures were also reported. Based on the available evidence, this CNV is classified as pathogenic.

Literature cited by the submitters: PubMed 19344873; PubMed 27549440.